The following is an entry in ClinVar:

NM_080680.3(COL11A2):c.3582+2_3582+3del

Gene: COL11A2 (collagen type XI alpha 2 chain; minus strand). Cytogenetic location: 6p21.32.
Variant type: Microsatellite.
Coding change: c.3582+2_3582+3del on transcript NM_080680.3 (MANE Select); the canonical splice donor site of the intron after coding-DNA position 3582 through 3 bases into the intron after coding-DNA position 3582, 2 bases deleted (TG; older notation c.3582+2_3582+3delTG).
Molecular consequence: splice donor variant.
Genome position (GRCh38, 1-based): chr6:33,170,323-33,170,324, CA deleted on the plus strand (TG on the coding strand, the reverse complement: COL11A2 is on the minus strand); deleting any 2 consecutive bases within chr6:33,170,323-33,170,326 gives the same sequence; the c. name uses the placement nearest the transcript's 3' end. VCF-style (leftmost placement, unchanged base first): chr6-33170322-TCA-T. GRCh37 (hg19) VCF-style: chr6-33138099-TCA-T.
Other names: c.2556+2_2556+3del (NM_001424111.1, NM_001424110.1); c.3261+2_3261+3del (NM_080679.3); c.3324+2_3324+3del (NM_080681.3); c.3402+2_3402+3del (NM_001424108.1); c.2736+2_2736+3del (NM_001424109.1); c.1536+2_1536+3del (NM_001424112.1).
Identifiers: ClinVar variation 3601056 (VCV003601056.1).

ClinVar aggregate classification (germline): Likely pathogenic (1 of 4 stars; one submission).

Conditions:
Autosomal dominant nonsyndromic hearing loss 13. Identifiers: Orphanet 90635, MedGen C1866095, MONDO:0011159, OMIM 601868.

Submission:

Institute of Rare Diseases, West China Hospital, Sichuan University
Classification: Likely pathogenic for Autosomal dominant nonsyndromic hearing loss 13. Last evaluated: 2025-01-09. Review status: criteria provided, single submitter. Criteria: ClinGen HL ACMG Specifications v1. Collection method: research. Allele origin: germline. Affected: yes.
Comment: PVS1;PM2_Supporting